The following is an entry in ClinVar:

NM_000553.6(WRN):c.2279A>C (p.His760Pro)

Gene: WRN (WRN RecQ like helicase; plus strand). Cytogenetic location: 8p12.
Variant type: single nucleotide variant.
Coding change: c.2279A>C on transcript NM_000553.6 (MANE Select); coding-DNA position 2279, A replaced by C.
Protein change: p.His760Pro; replaces histidine 760 with proline.
Molecular consequence: missense variant.
Genome position (GRCh38, 1-based): chr8:31,116,359, A>C. VCF-style: chr8-31116359-A-C. GRCh37 (hg19) VCF-style: chr8-30973875-A-C.
Other names: c.2279A>C (NM_000553.4); short protein forms H760P.
Identifiers: ClinVar variation 1020101 (VCV001020101.6), dbSNP rs1801516310, ClinGen allele CA370913343.
Genomic context (GRCh38, chr8:31,116,359, plus strand): 5'-TCTGAAGCATGTATAAAGTATATATGTTTGCTCTTTTGTTCTTCTTTTTCTTTAGTTCCC[A>C]CTGGGAATTTGAAGGTCCAACAATCATCTACTGTCCTTCTAGAAAAATGACACAACAAGT-3'
Protein context (NP_000544.2, residues 750-770): LQPFLVKTSS[His760Pro]WEFEGPTIIY

ClinVar aggregate classification (germline): Uncertain significance. Review status: criteria provided, multiple submitters, no conflicts (2 of 4 stars). 2 submissions from 2 submitters: Uncertain significance (2). Last evaluated 2026-01-20.

Conditions:
Werner syndrome (WRN). Identifiers: Orphanet 902, MedGen C0043119, MONDO:0010196, OMIM 277700.
Inborn genetic diseases. Identifiers: MedGen C0950123, MeSH D030342.

gnomAD v4.1: 1 of 1,613,800 alleles (0.000062%); no homozygotes.

Submissions (2):

Labcorp Genetics (formerly Invitae), Labcorp
Classification: Uncertain significance for Werner syndrome. Last evaluated: 2026-01-20. Review status: criteria provided, single submitter. Criteria: Invitae Variant Classification Sherloc (09022015). Collection method: clinical testing. Allele origin: germline.
Comment: This sequence change replaces histidine, which is basic and polar, with proline, which is neutral and non-polar, at codon 760 of the WRN protein (p.His760Pro). This variant is not present in population databases (gnomAD no frequency). This variant has not been reported in the literature in individuals affected with WRN-related conditions. ClinVar contains an entry for this variant (Variation ID: 1020101). An algorithm developed to predict the effect of missense changes on protein structure and function (PolyPhen-2) suggests that this variant is likely to be tolerated. In summary, the available evidence is currently insufficient to determine the role of this variant in disease. Therefore, it has been classified as a Variant of Uncertain Significance.

Ambry Genetics
Classification: Uncertain significance for Inborn genetic diseases. Last evaluated: 2025-04-18. Review status: criteria provided, single submitter. Criteria: Ambry Variant Classification Scheme 2023. Collection method: clinical testing. Allele origin: germline.